The following is an entry in ClinVar:

ClinVar aggregate classification (germline): Uncertain significance (1 of 4 stars; one submission).

Conditions:
Cystic fibrosis (CF). Also called: MUCOVISCIDOSIS. Identifiers: Orphanet 586, MedGen C0010674, MONDO:0009061, OMIM 219700. Disease mechanism: loss of function.

gnomAD v4.1: 2 of 1,611,588 alleles (0.00012%); highest among the groups gnomAD compares: Non-Finnish European, 0.00017%; no homozygotes.

Submission:

Ambry Genetics
Classification: Uncertain significance for Cystic fibrosis. Last evaluated: 2022-09-08. Review status: criteria provided, single submitter. Criteria: Ambry Variant Classification Scheme 2023. Collection method: clinical testing. Allele origin: germline.
Comment: The p.T547R variant (also known as c.1640C>G), located in coding exon 12 of the CFTR gene, results from a C to G substitution at nucleotide position 1640. The threonine at codon 547 is replaced by arginine, an amino acid with similar properties. This amino acid position is conserved. In addition, this alteration is predicted to be deleterious by in silico analysis. Since supporting evidence is limited at this time, the clinical significance of this alteration remains unclear.

NM_000492.4(CFTR):c.1640C>G (p.Thr547Arg)

Genes: CFTR (CF transmembrane conductance regulator; plus strand), LOC111674475 (CFTR intron 11 enhancer; plus strand). Cytogenetic location: 7q31.2.
Variant type: single nucleotide variant.
Coding change: c.1640C>G on transcript NM_000492.4 (MANE Select); coding-DNA position 1640, C replaced by G.
Protein change: p.Thr547Arg; replaces threonine 547 with arginine.
Molecular consequence: missense variant.
Genome position (GRCh38, 1-based): chr7:117,587,794, C>G. VCF-style: chr7-117587794-C-G. GRCh37 (hg19) VCF-style: chr7-117227848-C-G.
Other names: short protein forms T547R.
Identifiers: ClinVar variation 1777031 (VCV001777031.2), dbSNP rs1429531030, ClinGen allele CA368976048.